The following is an entry in ClinVar:

NM_001378418.1(TCF20):c.5753G>C (p.Cys1918Ser)

Gene: TCF20 (transcription factor 20; minus strand). Cytogenetic location: 22q13.2.
Variant type: single nucleotide variant.
Coding change: c.5753G>C on transcript NM_001378418.1 (MANE Select); coding-DNA position 5753, G replaced by C.
Protein change: p.Cys1918Ser; replaces cysteine 1918 with serine.
Molecular consequence: missense variant.
Genome position (GRCh38, 1-based): chr22:42,169,893, C>G on the plus strand (G>C on the coding strand, the complement: TCF20 is on the minus strand). VCF-style: chr22-42169893-C-G. GRCh37 (hg19) VCF-style: chr22-42565899-C-G.
Other names: c.5753G>C, p.Cys1918Ser (NM_005650.4, NM_181492.3); c.5753G>C (NM_005650.1); short protein forms C1918S.
Identifiers: ClinVar variation 1723412 (VCV001723412.4), dbSNP rs2518037704, ClinGen allele CA411774521.

ClinVar aggregate classification (germline): Uncertain significance. Review status: criteria provided, multiple submitters, no conflicts (2 of 4 stars). 2 submissions from 2 submitters: Uncertain significance (2). Last evaluated 2022-10-28.

Conditions:
Inborn genetic diseases. Identifiers: MedGen C0950123, MeSH D030342.

Allele frequency attached by ClinVar (database versions not stated): gnomAD exomes below 0.00001.
gnomAD v4.1: 2 of 1,613,432 alleles (0.00012%); highest among the groups gnomAD compares: Non-Finnish European, 0.00017%; no homozygotes.

Submissions (2):

Women's Health and Genetics/Laboratory Corporation of America, LabCorp
Classification: Uncertain significance. Last evaluated: 2022-10-28. Review status: criteria provided, single submitter. Criteria: LabCorp Variant Classification Summary - May 2015. Collection method: clinical testing. Allele origin: germline.
Comment: Variant summary: TCF20 c.5753G>C (p.Cys1918Ser) results in a non-conservative amino acid change located in the Zinc finger, PHD-type domain (IPR001965) of the encoded protein sequence. Three of four in-silico tools predict a damaging effect of the variant on protein function. The variant was absent in 250962 control chromosomes (gnomAD). The available data on variant occurrences in the general population are insufficient to allow any conclusion about variant significance. To our knowledge, no occurrence of c.5753G>C in individuals affected with Developmental Delay With Variable Intellectual Impairment And Behavioral Abnormalities and no experimental evidence demonstrating its impact on protein function have been reported. No clinical diagnostic laboratories have submitted clinical-significance assessments for this variant to ClinVar after 2014. Based on the evidence outlined above, the variant was classified as uncertain significance.

Ambry Genetics
Classification: Uncertain significance for Inborn genetic diseases. Last evaluated: 2021-12-06. Review status: criteria provided, single submitter. Criteria: Ambry Variant Classification Scheme 2023. Collection method: clinical testing. Allele origin: germline.